The following is an entry in ClinVar:

ClinVar aggregate classification (germline): Likely benign (0 of 4 stars; one submission).

Conditions:
NCOA1-related disorder. Also called: NCOA1-related condition.

Allele frequency attached by ClinVar (database versions not stated): 1000 Genomes Project 30x 0.00016; gnomAD 0.00019; 1000 Genomes Project 0.00020; ExAC 0.00024; TOPMed 0.00033.
gnomAD v4.1: 175 of 1,614,164 alleles (0.011%); highest among the groups gnomAD compares: Admixed American, 0.12%; no homozygotes.

Submission:

PreventionGenetics, part of Exact Sciences
Classification: Likely benign for NCOA1-related condition. Last evaluated: 2019-09-18. Review status: no assertion criteria provided. Collection method: clinical testing. Allele origin: germline.
Comment: This variant is classified as likely benign based on ACMG/AMP sequence variant interpretation guidelines (Richards et al. 2015 PMID: 25741868, with internal and published modifications).

NM_003743.5(NCOA1):c.3558G>A (p.Pro1186=)

Gene: NCOA1 (nuclear receptor coactivator 1; plus strand). Cytogenetic location: 2p23.3.
Variant type: single nucleotide variant.
Coding change: c.3558G>A on transcript NM_003743.5 (MANE Select); coding-DNA position 3558, G replaced by A.
Protein change: p.Pro1186=; no amino-acid change (proline 1186 retained).
Molecular consequence: synonymous variant.
Genome position (GRCh38, 1-based): chr2:24,742,038, G>A. VCF-style: chr2-24742038-G-A. GRCh37 (hg19) VCF-style: chr2-24964907-G-A.
Other names: c.3558G>A, p.Pro1186= (NM_001362950.1, NM_001362952.1, NM_001362954.1 and 3 more transcripts).
Identifiers: ClinVar variation 3044699 (VCV003044699.2), dbSNP rs531091549, ClinGen allele CA1552674.